The following is an entry in ClinVar:

NC_000006.11:g.(?_73100280)_(73110416_?)dup

Gene: RIMS1 (regulating synaptic membrane exocytosis 1; plus strand). Cytogenetic location: 6q13.
Variant type: Duplication.
Identifiers: ClinVar variation 3246223 (VCV003246223.1).

ClinVar aggregate classification (germline): Uncertain significance (1 of 4 stars; one submission).

Submission:

Labcorp Genetics (formerly Invitae), Labcorp
Classification: Uncertain significance. Last evaluated: 2023-08-27. Review status: criteria provided, single submitter. Criteria: Invitae Variant Classification Sherloc (09022015). Collection method: clinical testing. Allele origin: unknown.
Comment: This variant results in a copy number gain of the genomic region encompassing exon(s) 30-34 of the RIMS1 gene. This region includes the termination codon of the gene. This copy number gain extends beyond the assayed region for this gene and therefore may encompass additional genes. As the precise location of this event is unknown, it may be in tandem or it may be located elsewhere in the genome. This variant has not been reported in the literature in individuals affected with RIMS1-related conditions. Experimental studies and prediction algorithms are not available or were not evaluated, and the functional significance of this variant is currently unknown. In summary, the available evidence is currently insufficient to determine the role of this variant in disease. Therefore, it has been classified as a Variant of Uncertain Significance.